The following is an entry in ClinVar:

ClinVar aggregate classification (germline): Conflicting classifications of pathogenicity. Review status: criteria provided, conflicting classifications (1 of 4 stars). 2 submissions from 2 submitters: Likely pathogenic (1); Uncertain significance (1). Last evaluated 2025-05-25.

Conditions:
PRKAG2-related disorder. Also called: PRKAG2-related condition; PRKAG2-related disorders.
Cardiomyopathy (CMYO). Also called: Cardiomyopathies. Identifiers: Orphanet 167848, MedGen C0878544, MONDO:0004994, HP:0001638. Inheritance: Various modes of inheritance.

gnomAD v4.1: 1 of 1,613,892 alleles (0.000062%); highest among the groups gnomAD compares: Non-Finnish European, 0.000085%; no homozygotes.

Submissions (2):

Color Diagnostics, LLC DBA Color Health
Classification: Uncertain significance for Cardiomyopathy. Last evaluated: 2025-05-25. Review status: criteria provided, single submitter. Criteria: ACMG Guidelines, 2015. Collection method: clinical testing. Allele origin: germline.
Comment: This missense variant replaces histidine with asparagine at codon 401 of the PRKAG2 protein. Computational prediction suggests that this variant may have deleterious impact on protein structure and function. To our knowledge, functional studies have not been reported for this variant. This variant has not been reported in individuals affected with PRKAG2-related disorders in the literature. This variant has not been identified in the general population by the Genome Aggregation Database (gnomAD). The available evidence is insufficient to determine the role of this variant in disease conclusively. Therefore, this variant is classified as a Variant of Uncertain Significance.

Blueprint Genetics
Classification: Likely pathogenic for PRKAG2-related disorders. Last evaluated: 2022-07-08. Review status: criteria provided, single submitter. Criteria: ACMG Guidelines, 2015. Collection method: clinical testing. Allele origin: germline. Affected: yes. Observed: 2 variant alleles.

NM_016203.4(PRKAG2):c.1201C>A (p.His401Asn)

Gene: PRKAG2 (protein kinase AMP-activated non-catalytic subunit gamma 2; minus strand). Cytogenetic location: 7q36.1.
Variant type: single nucleotide variant.
Coding change: c.1201C>A on transcript NM_016203.4 (MANE Select); coding-DNA position 1201, C replaced by A.
Protein change: p.His401Asn; replaces histidine 401 with asparagine.
Molecular consequence: missense variant.
Genome position (GRCh38, 1-based): chr7:151,568,748, G>T on the plus strand (C>A on the coding strand, the complement: PRKAG2 is on the minus strand). VCF-style: chr7-151568748-G-T. GRCh37 (hg19) VCF-style: chr7-151265834-G-T.
Other names: c.1069C>A, p.His357Asn (NM_001040633.2, NM_001407024.1); c.826C>A, p.His276Asn (NM_001304527.2, NM_001407029.1); c.478C>A, p.His160Asn (NM_001304531.2, NM_001407034.1, NM_001407035.1 and 1 more transcripts); c.829C>A, p.His277Asn (NM_001363698.2, NM_001407028.1); c.1201C>A, p.His401Asn (NM_001407021.1); c.1198C>A, p.His400Asn (NM_001407022.1, NM_001407023.1); c.1066C>A, p.His356Asn (NM_001407026.1, NM_001407027.1); c.913C>A, p.His305Asn (NM_001407030.1); and 6 more; short protein forms H159N, H160N, H176N, H180N, H276N, H277N, H293N, H295N.
Identifiers: ClinVar variation 4756740 (VCV004756740.2).